The following is an entry in ClinVar:

ClinVar aggregate classification (germline): Uncertain significance. Review status: criteria provided, multiple submitters, no conflicts (2 of 4 stars). 2 submissions from 2 submitters: Uncertain significance (2). Last evaluated 2025-04-24.

Conditions:
Brugada syndrome. Also called: Sudden unexpected nocturnal death syndrome; Sudden unexplained nocturnal death syndrome; Sudden Unexplained Death Syndrome; Sudden Unexplained Nocturnal Death Syndrome (SUNDS). Identifiers: Orphanet 130, MedGen C1142166, MONDO:0015263.

gnomAD v4.1: 2 of 1,593,542 alleles (0.00013%); highest among the groups gnomAD compares: Non-Finnish European, 0.00017%; no homozygotes.

Submissions (2):

Ambry Genetics
Classification: Uncertain significance. Last evaluated: 2025-04-24. Review status: criteria provided, single submitter. Criteria: Ambry Variant Classification Scheme 2023. Collection method: clinical testing. Allele origin: germline.
Comment: The p.R373S variant (also known as c.1119G>C), located in coding exon 10 of the SLMAP gene, results from a G to C substitution at nucleotide position 1119. The arginine at codon 373 is replaced by serine, an amino acid with dissimilar properties. This amino acid position is conserved. In addition, the in silico prediction for this alteration is inconclusive. Based on the available evidence, the clinical significance of this variant remains unclear.

Labcorp Genetics (formerly Invitae), Labcorp
Classification: Uncertain significance for Brugada syndrome. Last evaluated: 2024-11-04. Review status: criteria provided, single submitter. Criteria: Invitae Variant Classification Sherloc (09022015). Collection method: clinical testing. Allele origin: germline.
Comment: This sequence change replaces arginine, which is basic and polar, with serine, which is neutral and polar, at codon 373 of the SLMAP protein (p.Arg373Ser). This variant is present in population databases (rs759483873, gnomAD 0.0009%). This variant has not been reported in the literature in individuals affected with SLMAP-related conditions. An algorithm developed to predict the effect of missense changes on protein structure and function (PolyPhen-2) suggests that this variant is likely to be tolerated. In summary, the available evidence is currently insufficient to determine the role of this variant in disease. Therefore, it has been classified as a Variant of Uncertain Significance.

NM_001377540.1(SLMAP):c.1119G>C (p.Arg373Ser)

Gene: SLMAP (sarcolemma associated protein; plus strand). Cytogenetic location: 3p14.3.
Variant type: single nucleotide variant.
Coding change: c.1119G>C on transcript NM_001377540.1 (MANE Select); coding-DNA position 1119, G replaced by C.
Protein change: p.Arg373Ser; replaces arginine 373 with serine.
Molecular consequence: missense variant. On other transcripts: non-coding transcript variant (1).
Genome position (GRCh38, 1-based): chr3:57,864,700, G>C. VCF-style: chr3-57864700-G-C. GRCh37 (hg19) VCF-style: chr3-57850427-G-C.
Other names: c.1119G>C, p.Arg373Ser (NM_001304420.3, NM_001304421.2, NM_001377538.1 and 17 more transcripts); c.1119G>C (NM_007159.2); short protein forms R373S.
Identifiers: ClinVar variation 3718874 (VCV003718874.3).